The following is an entry in ClinVar:

ClinVar aggregate classification (germline): Uncertain significance. Review status: criteria provided, multiple submitters, no conflicts (2 of 4 stars). 4 submissions from 4 submitters: Uncertain significance (4). Last evaluated 2024-09-11.

Conditions:
Autosomal dominant polycystic kidney disease. Identifiers: Orphanet 730, MedGen C0085413, MONDO:0004691.
Polycystic kidney disease 2 (PKD2). Also called: POLYCYSTIC KIDNEY DISEASE, ADULT, TYPE II; Polycystic Kidney Disease 2, Autosomal Dominant; POLYCYSTIC KIDNEY DISEASE 2 WITH OR WITHOUT POLYCYSTIC LIVER DISEASE. Identifiers: MedGen C2751306, MONDO:0013131, OMIM 613095.

Allele frequency attached by ClinVar (database versions not stated): TOPMed below 0.00001; gnomAD exomes 0.00001 and 0.00002; ExAC 0.00002.
gnomAD v4.1: 15 of 1,612,716 alleles (0.00093%); highest among the groups gnomAD compares: Middle Eastern, 0.017%; no homozygotes.

Submissions (4):

Blueprint Genetics
Classification: Uncertain significance. Last evaluated: 2024-09-11. Review status: criteria provided, single submitter. Criteria: ACMG Guidelines, 2015. Collection method: clinical testing. Allele origin: germline.

Labcorp Genetics (formerly Invitae), Labcorp
Classification: Uncertain significance for Autosomal dominant polycystic kidney disease. Last evaluated: 2024-07-08. Review status: criteria provided, single submitter. Criteria: Invitae Variant Classification Sherloc (09022015). Collection method: clinical testing. Allele origin: germline.
Comment: This sequence change replaces arginine, which is basic and polar, with tryptophan, which is neutral and slightly polar, at codon 730 of the PKD2 protein (p.Arg730Trp). This variant is present in population databases (rs749112798, gnomAD 0.01%). This variant has not been reported in the literature in individuals affected with PKD2-related conditions. ClinVar contains an entry for this variant (Variation ID: 636481). Advanced modeling of protein sequence and biophysical properties (such as structural, functional, and spatial information, amino acid conservation, physicochemical variation, residue mobility, and thermodynamic stability) performed at Invitae indicates that this missense variant is expected to disrupt PKD2 protein function with a positive predictive value of 80%. In summary, the available evidence is currently insufficient to determine the role of this variant in disease. Therefore, it has been classified as a Variant of Uncertain Significance.

Fulgent Genetics
Classification: Uncertain significance for Polycystic kidney disease 2. Last evaluated: 2024-02-02. Review status: criteria provided, single submitter. Criteria: ACMG Guidelines, 2015. Collection method: clinical testing. Allele origin: germline.

Illumina Laboratory Services, Illumina
Classification: Uncertain significance for Polycystic kidney disease 2. Last evaluated: 2018-01-13. Review status: criteria provided, single submitter. Criteria: ICSL Variant Classification Criteria 13 December 2019. Collection method: clinical testing. Allele origin: germline.

NM_000297.4(PKD2):c.2188C>T (p.Arg730Trp)

Gene: PKD2 (polycystin 2, transient receptor potential cation channel; plus strand). Cytogenetic location: 4q22.1.
Variant type: single nucleotide variant.
Coding change: c.2188C>T on transcript NM_000297.4 (MANE Select); coding-DNA position 2188, C replaced by T.
Protein change: p.Arg730Trp; replaces arginine 730 with tryptophan.
Molecular consequence: missense variant. On other transcripts: non-coding transcript variant (1).
Genome position (GRCh38, 1-based): chr4:88,065,443, C>T. VCF-style: chr4-88065443-C-T. GRCh37 (hg19) VCF-style: chr4-88986595-C-T.
Other names: short protein forms R730W.
Identifiers: ClinVar variation 636481 (VCV000636481.11), dbSNP rs749112798, ClinGen allele CA3004156.